The following is an entry in ClinVar:

ClinVar aggregate classification (germline): Conflicting classifications of pathogenicity. Review status: criteria provided, conflicting classifications (1 of 4 stars). 6 submissions from 6 submitters: Pathogenic (1); Likely pathogenic (2); Uncertain significance (3). Last evaluated 2026-07-09.

Conditions:
Hypophosphatasia. Also called: Phosphoethanol-aminuria. Identifiers: Orphanet 436, MedGen C0020630, MeSH D007014, MONDO:0018570.
Semidominant ALPL-related disorders.
Adult hypophosphatasia. Identifiers: Orphanet 247676, Orphanet 436, MedGen C0268413, MONDO:1010154, OMIM 146300, MONDO:0007798.

Allele frequency attached by ClinVar (database versions not stated): gnomAD 0.00001; TOPMed 0.00001.
gnomAD v4.1: 3 of 1,613,786 alleles (0.00019%); highest among the groups gnomAD compares: Admixed American, 0.0033%; no homozygotes.

Submissions (6):

Myriad Genetics, Inc.
Classification: Uncertain significance for Hypophosphatasia. Last evaluated: 2026-07-09. Review status: criteria provided, single submitter. Criteria: Myriad Autosomal Dominant, Autosomal Recessive and X-Linked Classification Criteria (2023). Collection method: clinical testing. Allele origin: unknown.
Comment: NM_000478.4(ALPL):c.352C>A(L118M) is a missense variant classified as a variant of uncertain significance in the context of hypophosphatasia. L118M has been observed in a case with relevant disease (PMID: 28127875). Relevant functional assessments of this variant are not available in the literature. L118M has been observed in referenced population frequency databases. In summary, there is insufficient evidence to classify NM_000478.4(ALPL):c.352C>A(L118M) as pathogenic or benign. Please note: this variant was assessed in the context of healthy population screening.

Labcorp Genetics (formerly Invitae), Labcorp
Classification: Likely pathogenic. Last evaluated: 2025-11-05. Review status: criteria provided, single submitter. Criteria: Invitae Variant Classification Sherloc (09022015). Collection method: clinical testing. Allele origin: germline.
Comment: This sequence change replaces leucine, which is neutral and non-polar, with methionine, which is neutral and non-polar, at codon 118 of the ALPL protein (p.Leu118Met). This variant is present in population databases (no rsID available, gnomAD 0.006%). This missense change has been observed in individual(s) with hypophosphatasia (PMID: 26783040; internal data). ClinVar contains an entry for this variant (Variation ID: 1476451). Invitae Evidence Modeling of protein sequence and biophysical properties (such as structural, functional, and spatial information, amino acid conservation, physicochemical variation, residue mobility, and thermodynamic stability) has been performed for this missense variant. However, the output from this modeling did not meet the statistical confidence thresholds required to predict the impact of this variant on ALPL protein function. Experimental studies have shown that this missense change affects ALPL function (PMID: 32160374). In summary, the currently available evidence indicates that the variant is pathogenic, but additional data are needed to prove that conclusively. Therefore, this variant has been classified as Likely Pathogenic.

Variantyx, Inc.
Classification: Pathogenic for Semidominant ALPL-related disorders. Last evaluated: 2025-10-06. Review status: criteria provided, single submitter. Criteria: Variantyx Assertion Criteria 2022. Collection method: clinical testing. Allele origin: germline. Inheritance: Semidominant inheritance.
Comment: This is a nonsynonymous variant in the ALPL gene (OMIM: 171760). Pathogenic variants in this gene have been associated with autosomal semidominant adult hypophosphatasia. This variant has been reported in the homozygous or compound heterozygous state in at least one affected individual (PMID: 26783040) (PM3_Supporting). Functional studies have shown that this variant alters ALPL protein function (PMID: 32160374) (PS3_Supporting). This variant lies within a known hotspot for pathogenic variants or a well-established critical functional domain of the ALPL protein (PMID: 31760938) (PM1). Multiple computational algorithms predict a deleterious effect for this variant (REVEL score: 0.646) (PP3). This variant has a 0.0034% maximum allele frequency in non-founder control populations (PM2_Supporting). Based on the current evidence, this variant is classified as likely pathogenic for autosomal semidominant adult hypophosphatasia.

Genomenon, Inc
Classification: Uncertain significance for Hypophosphatasia. Last evaluated: 2025-08-29. Review status: criteria provided, single submitter. Criteria: Genomenon Sequence Variant Interpretation Standards. Collection method: curation. Allele origin: germline. Affected: yes.
Comment: ALPL c.352C>A is a missense variant that changes the amino acid at residue 118 from Leucine to Methionine. This variant has been observed in a proband affected with hypophosphatasia (PMID:26783040). Functional studies have been reported;however, the significance of the findings remain unclear (PMID:32160374). It is absent or not present at a significant frequency in gnomAD. In silico models agree that this variant is possibly or probably damaging. In conclusion, we classify ALPL p.Leu118Met (c.352C>A) as a variant of unknown significance.

ARUP Laboratories, Molecular Genetics and Genomics, ARUP Laboratories
Classification: Uncertain significance. Last evaluated: 2025-07-22. Review status: criteria provided, single submitter. Criteria: ARUP Molecular Germline Variant Investigation Process 2024. Collection method: clinical testing. Allele origin: germline.
Comment: The ALPL c.352C>A; p.Leu118Met variant (rs1284058976, ClinVar Variation ID: 1476451) is reported in the literature in the homozygous state in one individual affected with hypophosphatasia (Riancho-Zarrabeitia 2016). This variant is only observed on 3 alleles in the Genome Aggregation Database (v2.1.1). Computational analyses are uncertain whether this variant is neutral or deleterious (REVEL: 0.646). In vitro functional analyses demonstrate enzymatic activity to be 50% reduced compared to wildtype (Del Angel 2020). Due to limited information, the clinical significance of this variant is uncertain at this time. References: Del Angel G et al. Large-scale in vitro functional testing and novel variant scoring via protein modeling provide insights into alkaline phosphatase activity in hypophosphatasia. Hum Mutat. 2020 Jul;41(7):1250-1262. PMID: 32160374. Riancho-Zarrabeitia L et al. Clinical, biochemical and genetic spectrum of low alkaline phosphatase levels in adults. Eur J Intern Med. 2016 Apr;29:40-5. PMID: 26783040.

Baylor Genetics
Classification: Likely pathogenic for Adult hypophosphatasia. Last evaluated: 2023-11-21. Review status: criteria provided, single submitter. Criteria: ACMG Guidelines, 2015. Collection method: clinical testing. Allele origin: unknown.

Literature cited by the submitters: PubMed 28127875 (cited by Myriad Genetics, Inc.); PubMed 26783040 (cited by 3 submitters); PubMed 32160374 (cited by 3 submitters); PubMed 31760938 (cited by Variantyx, Inc.).

NM_000478.6(ALPL):c.352C>A (p.Leu118Met)

Gene: ALPL (alkaline phosphatase, biomineralization associated; plus strand). Cytogenetic location: 1p36.12.
Variant type: single nucleotide variant.
Coding change: c.352C>A on transcript NM_000478.6 (MANE Select); coding-DNA position 352, C replaced by A.
Protein change: p.Leu118Met; replaces leucine 118 with methionine.
Molecular consequence: missense variant.
Genome position (GRCh38, 1-based): chr1:21,563,164, C>A. VCF-style: chr1-21563164-C-A. GRCh37 (hg19) VCF-style: chr1-21889657-C-A.
Other names: c.187C>A, p.Leu63Met (NM_001127501.4); c.121C>A, p.Leu41Met (NM_001177520.3); c.352C>A, p.Leu118Met (NM_001369803.2, NM_001369804.2, NM_001369805.2); short protein forms L118M, L41M, L63M.
Identifiers: ClinVar variation 1476451 (VCV001476451.11), dbSNP rs1284058976, ClinGen allele CA338877160.